The following is an entry in ClinVar:

ClinVar aggregate classification (germline): Likely benign. Review status: criteria provided, single submitter (1 of 4 stars). 2 submissions from 2 submitters: Likely benign (1). 1 of the submissions does not count toward it. Last evaluated 2025-03-23.

Conditions:
IFT74-related disorder. Also called: IFT74-related condition; IFT74-Related Disorders.

gnomAD v4.1: 4 of 1,604,932 alleles (0.00025%); highest among the groups gnomAD compares: South Asian, 0.0011%; no homozygotes.

Submissions (2):

Labcorp Genetics (formerly Invitae), Labcorp
Classification: Likely benign. Last evaluated: 2025-03-23. Review status: criteria provided, single submitter. Criteria: Invitae Variant Classification Sherloc (09022015). Collection method: clinical testing. Allele origin: germline.

PreventionGenetics, part of Exact Sciences
Classification: Likely benign for IFT74-related condition. Last evaluated: 2024-02-27. Review status: no assertion criteria provided. Collection method: clinical testing. Allele origin: germline. Not counted in ClinVar's aggregate classification.
Comment: This variant is classified as likely benign based on ACMG/AMP sequence variant interpretation guidelines (Richards et al. 2015 PMID: 25741868, with internal and published modifications).

NM_025103.4(IFT74):c.1707G>A (p.Glu569=)

Gene: IFT74 (intraflagellar transport 74; plus strand). Cytogenetic location: 9p21.2.
Variant type: single nucleotide variant.
Coding change: c.1707G>A on transcript NM_025103.4 (MANE Select); coding-DNA position 1707, G replaced by A.
Protein change: p.Glu569=; no amino-acid change (glutamic acid 569 retained).
Molecular consequence: synonymous variant. On other transcripts: 3 prime UTR variant (1).
Genome position (GRCh38, 1-based): chr9:27,062,640, G>A. VCF-style: chr9-27062640-G-A. GRCh37 (hg19) VCF-style: chr9-27062638-G-A.
Other names: c.1707G>A, p.Glu569= (NM_001099222.3, NM_001099223.3); c.*643G>A (NM_001349928.2).
Identifiers: ClinVar variation 3348020 (VCV003348020.2).